The following is an entry in ClinVar:

NM_000361.3(THBD):c.1488G>T (p.Pro496=)

Gene: THBD (thrombomodulin; minus strand). Cytogenetic location: 20p11.21.
Variant type: single nucleotide variant.
Coding change: c.1488G>T on transcript NM_000361.3 (MANE Select); coding-DNA position 1488, G replaced by T.
Protein change: p.Pro496=; no amino-acid change (proline 496 retained).
Molecular consequence: synonymous variant.
Genome position (GRCh38, 1-based): chr20:23,048,017, C>A on the plus strand (G>T on the coding strand, the complement: THBD is on the minus strand). VCF-style: chr20-23048017-C-A. GRCh37 (hg19) VCF-style: chr20-23028654-C-A.
Identifiers: ClinVar variation 3685671 (VCV003685671.2).

ClinVar aggregate classification (germline): Uncertain significance (1 of 4 stars; one submission).

Submission:

Labcorp Genetics (formerly Invitae), Labcorp
Classification: Uncertain significance. Last evaluated: 2024-05-19. Review status: criteria provided, single submitter. Criteria: Invitae Variant Classification Sherloc (09022015). Collection method: clinical testing. Allele origin: germline.
Comment: This sequence change affects codon 496 of the THBD mRNA. It is a 'silent' change, meaning that it does not change the encoded amino acid sequence of the THBD protein. The frequency data for this variant in the population databases is considered unreliable, as metrics indicate poor data quality at this position in the gnomAD database. This variant has not been reported in the literature in individuals affected with THBD-related conditions. In summary, the available evidence is currently insufficient to determine the role of this variant in disease. Therefore, it has been classified as a Variant of Uncertain Significance.